The following is an entry in ClinVar:

ClinVar aggregate classification (germline): Benign. Review status: criteria provided, multiple submitters, no conflicts (2 of 4 stars). 5 submissions from 5 submitters: Benign (3). 2 of the submissions do not count toward it. Last evaluated 2024-07-15.

Conditions:
Focal segmental glomerulosclerosis 3, susceptibility to (FSGS3). Identifiers: Orphanet 656, MedGen C1842982, MONDO:0011917, OMIM 607832.

Allele frequency attached by ClinVar (database versions not stated): ESP Exome Variant Server 0.96713; 1000 Genomes Project 30x 0.95269; 1000 Genomes Project 0.95268; TOPMed 0.95451; gnomAD 0.96104.
gnomAD v4.1: 1,435,701 of 1,506,244 alleles (95%); highest among the groups gnomAD compares: East Asian, 96%; 683,268 homozygotes.

Submissions (5):

Unidad de Genómica Garrahan, Hospital de Pediatría Garrahan
Classification: Benign. Last evaluated: 2024-07-15. Review status: criteria provided, single submitter. Criteria: ACMG Guidelines, 2015. Collection method: clinical testing. Allele origin: germline. Affected: no. Observed: 93 variant alleles.
Comment: This variant is classified as Benign based on local population frequency. This variant was detected in 100% of patients studied in a panel designed for Epileptic and Developmental Encephalopathy and Progressive Myoclonus Epilepsy. Number of patients: 93. Only high quality variants are reported.

GeneDx
Classification: Benign. Last evaluated: 2018-11-10. Review status: criteria provided, single submitter. Criteria: GeneDx Variant Classification Process June 2021. Collection method: clinical testing. Allele origin: germline. Affected: yes.

Illumina Laboratory Services, Illumina
Classification: Benign for Focal segmental glomerulosclerosis 3, susceptibility to. Last evaluated: 2018-01-13. Review status: criteria provided, single submitter. Criteria: ICSL Variant Classification Criteria 13 December 2019. Collection method: clinical testing. Allele origin: germline.
Comment: This variant was observed in the ICSL laboratory as part of a predisposition screen in an ostensibly healthy population. It had not been previously curated by ICSL or reported in the Human Gene Mutation Database (HGMD: prior to June 1st, 2018), and was therefore a candidate for classification through an automated scoring system. Utilizing variant allele frequency, disease prevalence and penetrance estimates, and inheritance mode, an automated score was calculated to assess if this variant is too frequent to cause the disease. Based on the score and internal cut-off values, a variant classified as benign is not then subjected to further curation. The score for this variant resulted in a classification of benign for this disease.

Genome Diagnostics Laboratory, University Medical Center Utrecht
Classification: Benign. Review status: no assertion criteria provided. Collection method: clinical testing. Allele origin: germline. Affected: yes. Study: VKGL Data-share Consensus. Not counted in ClinVar's aggregate classification.

Joint Genome Diagnostic Labs from Nijmegen and Maastricht, Radboudumc and MUMC+
Classification: Benign. Review status: no assertion criteria provided. Collection method: clinical testing. Allele origin: germline. Affected: yes. Study: VKGL Data-share Consensus. Not counted in ClinVar's aggregate classification.

NM_012120.3(CD2AP):c.-54T>A

Gene: CD2AP (CD2 associated protein; plus strand). Cytogenetic location: 6p12.3.
Variant type: single nucleotide variant.
Coding change: c.-54T>A on transcript NM_012120.3 (MANE Select); 54 bases upstream of the start codon, T replaced by A.
Molecular consequence: 5 prime UTR variant.
Genome position (GRCh38, 1-based): chr6:47,478,191, T>A. VCF-style: chr6-47478191-T-A. GRCh37 (hg19) VCF-style: chr6-47445927-T-A.
Identifiers: ClinVar variation 357162 (VCV000357162.10), dbSNP rs9349406, ClinGen allele CA10627127.